The following is an entry in ClinVar:

ClinVar aggregate classification (germline): Uncertain significance (1 of 4 stars; one submission).

Conditions:
Cowden syndrome (CS). Also called: Cowden's disease; Cowden's syndrome; Cowden disease. Identifiers: Orphanet 201, MedGen C0018553, MONDO:0016063. Disease mechanism: gain of function.

Allele frequency attached by ClinVar (database versions not stated): gnomAD exomes below 0.00001 and 0.00002; ExAC 0.00001; gnomAD 0.00001; TOPMed 0.00001; ESP Exome Variant Server 0.00008.
gnomAD v4.1: 11 of 1,612,864 alleles (0.00068%); highest among the groups gnomAD compares: Non-Finnish European, 0.00093%; no homozygotes.

Submission:

Labcorp Genetics (formerly Invitae), Labcorp
Classification: Uncertain significance for Cowden syndrome. Last evaluated: 2023-10-19. Review status: criteria provided, single submitter. Criteria: Invitae Variant Classification Sherloc (09022015). Collection method: clinical testing. Allele origin: germline.
Comment: This sequence change replaces threonine, which is neutral and polar, with serine, which is neutral and polar, at codon 208 of the PIK3CA protein (p.Thr208Ser). This variant is present in population databases (rs372610277, gnomAD 0.002%). This variant has not been reported in the literature in individuals affected with PIK3CA-related conditions. ClinVar contains an entry for this variant (Variation ID: 571068). Advanced modeling of protein sequence and biophysical properties (such as structural, functional, and spatial information, amino acid conservation, physicochemical variation, residue mobility, and thermodynamic stability) has been performed at Invitae for this missense variant, however the output from this modeling did not meet the statistical confidence thresholds required to predict the impact of this variant on PIK3CA protein function. In summary, the available evidence is currently insufficient to determine the role of this variant in disease. Therefore, it has been classified as a Variant of Uncertain Significance.

NM_006218.4(PIK3CA):c.623C>G (p.Thr208Ser)

Gene: PIK3CA (phosphatidylinositol-4,5-bisphosphate 3-kinase catalytic subunit alpha; plus strand). Cytogenetic location: 3q26.32.
Variant type: single nucleotide variant.
Coding change: c.623C>G on transcript NM_006218.4 (MANE Select); coding-DNA position 623, C replaced by G.
Protein change: p.Thr208Ser; replaces threonine 208 with serine.
Molecular consequence: missense variant.
Genome position (GRCh38, 1-based): chr3:179,201,350, C>G. VCF-style: chr3-179201350-C-G. GRCh37 (hg19) VCF-style: chr3-178919138-C-G.
Other names: c.623C>G (LRG_310t1); short protein forms T208S.
Identifiers: ClinVar variation 571068 (VCV000571068.9), dbSNP rs372610277, ClinGen allele CA2710576.